The following is an entry in ClinVar:

NM_003073.5(SMARCB1):c.391T>A (p.Trp131Arg)

Gene: SMARCB1 (SWI/SNF related BAF chromatin remodeling complex subunit B1; plus strand). Cytogenetic location: 22q11.23.
Variant type: single nucleotide variant.
Coding change: c.391T>A on transcript NM_003073.5 (MANE Select); coding-DNA position 391, T replaced by A.
Protein change: p.Trp131Arg; replaces tryptophan 131 with arginine.
Molecular consequence: missense variant.
Genome position (GRCh38, 1-based): chr22:23,800,972, T>A. VCF-style: chr22-23800972-T-A. GRCh37 (hg19) VCF-style: chr22-24143159-T-A.
Other names: c.364T>A, p.Trp122Arg (NM_001007468.3, NM_001317946.2); c.391T>A, p.Trp131Arg (NM_001362877.2); short protein forms W122R, W131R.
Identifiers: ClinVar variation 4864830 (VCV004864830.1).

ClinVar aggregate classification (germline): Uncertain significance (1 of 4 stars; one submission).

Conditions:
Hereditary cancer-predisposing syndrome. Also called: Neoplastic Syndromes, Hereditary; Tumor predisposition; Hereditary Cancer Syndrome; Hereditary neoplastic syndrome. Identifiers: Orphanet 140162, MedGen C0027672, MeSH D009386, MONDO:0015356.

Submission:

Ambry Genetics
Classification: Uncertain significance for Hereditary cancer-predisposing syndrome. Last evaluated: 2026-05-23. Review status: criteria provided, single submitter. Criteria: Ambry Variant Classification Scheme 2023. Collection method: clinical testing. Allele origin: germline.
Comment: The p.W131R variant (also known as c.391T>A), located in coding exon 4 of the SMARCB1 gene, results from a T to A substitution at nucleotide position 391. The tryptophan at codon 131 is replaced by arginine, an amino acid with dissimilar properties. This amino acid position is conserved. In addition, this alteration is predicted to be deleterious by in silico analysis. Based on the available evidence, the clinical significance of this variant remains unclear.